The following is an entry in ClinVar:

ClinVar aggregate classification (germline): Uncertain significance. Review status: criteria provided, multiple submitters, no conflicts (2 of 4 stars). 2 submissions from 2 submitters: Uncertain significance (2). Last evaluated 2023-02-16.

Conditions:
TAF15-related disorder. Also called: TAF15-related condition.

Allele frequency attached by ClinVar (database versions not stated): ExAC 0.00004; gnomAD 0.00004; gnomAD exomes 0.00004 and 0.00009; TOPMed 0.00006.
gnomAD v4.1: 145 of 1,599,488 alleles (0.0091%); highest among the groups gnomAD compares: Non-Finnish European, 0.011%; no homozygotes.

Submissions (2):

PreventionGenetics, part of Exact Sciences
Classification: Uncertain significance for TAF15-related condition. Last evaluated: 2023-02-16. Review status: criteria provided, single submitter. Criteria: ACMG Guidelines, 2015. Collection method: clinical testing. Allele origin: germline.
Comment: The TAF15 c.1418G>A variant is predicted to result in the amino acid substitution p.Gly473Glu. This variant was reported in an individual with Amyotrophic lateral sclerosis (Couthouis et al 2011. PubMed ID: 22065782). This variant is reported in 0.0081% of alleles in individuals of European (Non-Finnish) descent in gnomAD. At this time, the clinical significance of this variant is uncertain due to the absence of conclusive functional and genetic evidence.

GeneDx
Classification: Uncertain significance. Last evaluated: 2021-04-09. Review status: criteria provided, single submitter. Criteria: GeneDx Variant Classification Process June 2021. Collection method: clinical testing. Allele origin: germline. Affected: yes.
Comment: Identified in an individual with amyotrophic lateral sclerosis (Couthouis et al., 2011); Published functional studies demonstrate a damaging effect (Couthouis et al., 2011); In silico analysis supports that this missense variant does not alter protein structure/function; This variant is associated with the following publications: (PMID: 22445064, 22919483, 22065782, 28762175, 32500266, 28889094, 27415968, 30481590, 30533570, 25299611)

NM_139215.3(TAF15):c.1418G>A (p.Gly473Glu)

Gene: TAF15 (TATA-box binding protein associated factor 15; plus strand). Cytogenetic location: 17q12.
Variant type: single nucleotide variant.
Coding change: c.1418G>A on transcript NM_139215.3 (MANE Select); coding-DNA position 1418, G replaced by A.
Protein change: p.Gly473Glu; replaces glycine 473 with glutamic acid.
Molecular consequence: missense variant.
Genome position (GRCh38, 1-based): chr17:35,844,717, G>A. VCF-style: chr17-35844717-G-A. GRCh37 (hg19) VCF-style: chr17-34171721-G-A.
Other names: c.1409G>A, p.Gly470Glu (NM_003487.4); short protein forms G470E, G473E.
Identifiers: ClinVar variation 1303193 (VCV001303193.3), dbSNP rs777993379, ClinGen allele CA290041449.